The following is an entry in ClinVar:

NM_001165963.4(SCN1A):c.4390G>T (p.Val1464Phe)

Genes: SCN1A (sodium voltage-gated channel alpha subunit 1; minus strand), LOC102724058 (uncharacterized LOC102724058; plus strand). Cytogenetic location: 2q24.3.
Variant type: single nucleotide variant.
Coding change: c.4390G>T on transcript NM_001165963.4 (MANE Select); coding-DNA position 4390, G replaced by T.
Protein change: p.Val1464Phe; replaces valine 1464 with phenylalanine.
Molecular consequence: missense variant. On other transcripts: non-coding transcript variant (1).
Genome position (GRCh38, 1-based): chr2:165,998,124, C>A on the plus strand (G>T on the coding strand, the complement: SCN1A is on the minus strand). VCF-style: chr2-165998124-C-A. GRCh37 (hg19) VCF-style: chr2-166854634-C-A.
Other names: c.4306G>T, p.Val1436Phe (NM_001165964.3, NM_001353957.2, NM_001353958.2); c.4390G>T, p.Val1464Phe (NM_001202435.3, NM_001353948.2); c.4357G>T, p.Val1453Phe (NM_001353949.2, NM_001353950.2, NM_001353951.2 and 2 more transcripts); c.4354G>T, p.Val1452Phe (NM_001353954.2, NM_001353955.2); c.4303G>T, p.Val1435Phe (NM_001353960.2); c.1948G>T, p.Val650Phe (NM_001353961.2); c.4390G>T (NM_001165963.1); short protein forms V1436F, V650F, V1435F, V1452F, V1453F, V1464F.
Identifiers: ClinVar variation 1037080 (VCV001037080.10), dbSNP rs1690336662, ClinGen allele CA349049398.
Genomic context (GRCh38, chr2:165,998,124, plus strand): 5'-CTATGATGACACCAATAAACAGGTTCAAGGTGAAGAAGGACCCAAAGATGATGAAAATAA[C>A]AAAGTAAAGATACATGTACAGACTTTCTTCATACTTAGGCTGGAGTTCCACCTACCAAAG-3'
Protein context (NP_001159435.1, residues 1454-1474): EESLYMYLYF[Val1464Phe]IFIIFGSFFT

ClinVar aggregate classification (germline): Uncertain significance. Review status: criteria provided, multiple submitters, no conflicts (2 of 4 stars). 2 submissions from 2 submitters: Uncertain significance (2). Last evaluated 2025-02-27.

Conditions:
Early-infantile DEE. Also called: Ohtahara syndrome; Early infantile epileptic encephalopathy; Early infantile epileptic encephalopathy with suppression bursts. Identifiers: Orphanet 1934, MedGen C0393706, MONDO:0800491.

Submissions (2):

GeneDx
Classification: Uncertain significance. Last evaluated: 2025-02-27. Review status: criteria provided, single submitter. Criteria: GeneDx Variant Classification Process June 2021. Collection method: clinical testing. Allele origin: germline. Affected: yes.
Comment: Not observed at significant frequency in large population cohorts (gnomAD); In silico analysis supports that this missense variant has a deleterious effect on protein structure/function; This substitution is predicted to be within the transmembrane segment S6 of the third homologous domain; Has not been previously published as pathogenic or benign to our knowledge

Labcorp Genetics (formerly Invitae), Labcorp
Classification: Uncertain significance for Early-infantile DEE. Last evaluated: 2022-09-06. Review status: criteria provided, single submitter. Criteria: Invitae Variant Classification Sherloc (09022015). Collection method: clinical testing. Allele origin: germline.
Comment: Advanced modeling of protein sequence and biophysical properties (such as structural, functional, and spatial information, amino acid conservation, physicochemical variation, residue mobility, and thermodynamic stability) performed at Invitae indicates that this missense variant is expected to disrupt SCN1A protein function. ClinVar contains an entry for this variant (Variation ID: 1037080). This variant has not been reported in the literature in individuals affected with SCN1A-related conditions. This variant is not present in population databases (gnomAD no frequency). This sequence change replaces valine, which is neutral and non-polar, with phenylalanine, which is neutral and non-polar, at codon 1464 of the SCN1A protein (p.Val1464Phe). In summary, the available evidence is currently insufficient to determine the role of this variant in disease. Therefore, it has been classified as a Variant of Uncertain Significance.